The following is an entry in ClinVar:

ClinVar aggregate classification (germline): Uncertain significance (1 of 4 stars; one submission).

Conditions:
Charcot-Marie-Tooth disease type 4. Also called: Charcot-Marie-Tooth disease, type IV; Charcot-Marie-Tooth, Type 4. Identifiers: Orphanet 64749, MedGen C4082197, MONDO:0018995.

Allele frequency attached by ClinVar (database versions not stated): gnomAD exomes below 0.00001; ExAC 0.00001; gnomAD 0.00001; TOPMed 0.00001.
gnomAD v4.1: 2 of 1,614,004 alleles (0.00012%); highest among the groups gnomAD compares: Non-Finnish European, 0.00017%; no homozygotes.

Submission:

Labcorp Genetics (formerly Invitae), Labcorp
Classification: Uncertain significance for Charcot-Marie-Tooth disease type 4. Last evaluated: 2022-04-25. Review status: criteria provided, single submitter. Criteria: Invitae Variant Classification Sherloc (09022015). Collection method: clinical testing. Allele origin: germline.
Comment: This sequence change replaces aspartic acid, which is acidic and polar, with glycine, which is neutral and non-polar, at codon 320 of the MTMR2 protein (p.Asp320Gly). This variant is present in population databases (rs761433068, gnomAD 0.002%). This variant has not been reported in the literature in individuals affected with MTMR2-related conditions. Advanced modeling of protein sequence and biophysical properties (such as structural, functional, and spatial information, amino acid conservation, physicochemical variation, residue mobility, and thermodynamic stability) performed at Invitae indicates that this missense variant is expected to disrupt MTMR2 protein function. In summary, the available evidence is currently insufficient to determine the role of this variant in disease. Therefore, it has been classified as a Variant of Uncertain Significance.

NM_016156.6(MTMR2):c.959A>G (p.Asp320Gly)

Gene: MTMR2 (myotubularin related protein 2; minus strand). Cytogenetic location: 11q21.
Variant type: single nucleotide variant.
Coding change: c.959A>G on transcript NM_016156.6 (MANE Select); coding-DNA position 959, A replaced by G.
Protein change: p.Asp320Gly; replaces aspartic acid 320 with glycine.
Molecular consequence: missense variant.
Genome position (GRCh38, 1-based): chr11:95,849,708, T>C on the plus strand (A>G on the coding strand, the complement: MTMR2 is on the minus strand). VCF-style: chr11-95849708-T-C. GRCh37 (hg19) VCF-style: chr11-95582872-T-C.
Other names: c.743A>G, p.Asp248Gly (NM_001243571.2, NM_201278.3, NM_201281.3); short protein forms D320G, D248G.
Identifiers: ClinVar variation 2076896 (VCV002076896.1), dbSNP rs761433068, ClinGen allele CA6240167.